The following is an entry in ClinVar:

ClinVar aggregate classification (germline): Benign/Likely benign. Review status: criteria provided, multiple submitters, no conflicts (2 of 4 stars). 14 submissions from 10 submitters: Benign (5); Likely benign (7). 2 of the submissions do not count toward it. Last evaluated 2026-01-28.

Conditions:
Retinal dystrophy. Also called: Inherited retinal dystrophy. Identifiers: Orphanet 71862, MedGen C0854723, MeSH D058499, MONDO:0019118, HP:0000556.
Retinitis pigmentosa 12 (RP12). Also called: RP WITH OR WITHOUT PRESERVED PARAARTERIOLE RETINAL PIGMENT EPITHELIUM; RETINITIS PIGMENTOSA WITH OR WITHOUT PARAARTERIOLAR PRESERVATION OF RETINAL PIGMENT EPITHELIUM; RP WITH OR WITHOUT PPRPE. Identifiers: Orphanet 791, MedGen C1838647, MONDO:0010818, OMIM 600105.
Leber congenital amaurosis 8 (LCA8). Identifiers: Orphanet 65, MedGen C3151202, MONDO:0013453, OMIM 613835.
Retinitis pigmentosa (RP). Identifiers: Orphanet 791, MedGen C0035334, MeSH D012174, MONDO:0019200, OMIM 268000. Inheritance: Autosomal dominant, autosomal recessive and X linked inheritance.
Leber congenital amaurosis (LCA). Also called: Leber's amaurosis. Identifiers: Orphanet 65, MedGen C0339527, MeSH D057130, MONDO:0018998.
Pigmented paravenous retinochoroidal atrophy. Identifiers: Orphanet 251295, MedGen C1868310, MONDO:0008246, OMIM 172870.

Allele frequency attached by ClinVar (database versions not stated): gnomAD exomes 0.00258 and 0.00449; ExAC 0.00448; 1000 Genomes Project 30x 0.00687; gnomAD 0.00208 and 0.00284; TOPMed 0.00303; 1000 Genomes Project 0.00819; ESP Exome Variant Server 0.00031.
gnomAD v4.1: 4,214 of 1,613,914 alleles (0.26%); highest among the groups gnomAD compares: East Asian, 6.8%; 107 homozygotes.

Submissions (14):

Labcorp Genetics (formerly Invitae), Labcorp
Classification: Benign for Leber congenital amaurosis 8; Retinitis pigmentosa 12. Last evaluated: 2026-01-28. Review status: criteria provided, single submitter. Criteria: Invitae Variant Classification Sherloc (09022015). Collection method: clinical testing. Allele origin: germline.

Dept Of Ophthalmology, Nagoya University
Classification: Benign for Retinal dystrophy. Last evaluated: 2023-10-01. Review status: criteria provided, single submitter. Criteria: Submitter's publication. Collection method: research. Allele origin: germline. Affected: yes.

Genome-Nilou Lab
Classification: Likely benign for Leber congenital amaurosis 8. Last evaluated: 2023-04-11. Review status: criteria provided, single submitter. Criteria: ACMG Guidelines, 2015. Collection method: clinical testing. Allele origin: germline. Affected: no.

Genome-Nilou Lab
Classification: Likely benign for Pigmented paravenous retinochoroidal atrophy. Last evaluated: 2023-04-11. Review status: criteria provided, single submitter. Criteria: ACMG Guidelines, 2015. Collection method: clinical testing. Allele origin: germline. Affected: no.

Genome-Nilou Lab
Classification: Likely benign for Retinitis pigmentosa 12. Last evaluated: 2023-04-11. Review status: criteria provided, single submitter. Criteria: ACMG Guidelines, 2015. Collection method: clinical testing. Allele origin: germline. Affected: no.

Illumina Laboratory Services, Illumina
Classification: Benign for Pigmented paravenous retinochoroidal atrophy. Last evaluated: 2018-01-13. Review status: criteria provided, single submitter. Criteria: ICSL Variant Classification Criteria 13 December 2019. Collection method: clinical testing. Allele origin: germline.
Comment: This variant was observed in the ICSL laboratory as part of a predisposition screen in an ostensibly healthy population. It had not been previously curated by ICSL or reported in the Human Gene Mutation Database (HGMD: prior to June 1st, 2018), and was therefore a candidate for classification through an automated scoring system. Utilizing variant allele frequency, disease prevalence and penetrance estimates, and inheritance mode, an automated score was calculated to assess if this variant is too frequent to cause the disease. Based on the score and internal cut-off values, a variant classified as benign is not then subjected to further curation. The score for this variant resulted in a classification of benign for this disease.

Illumina Laboratory Services, Illumina
Classification: Likely benign for Leber congenital amaurosis 8. Last evaluated: 2018-01-13. Review status: criteria provided, single submitter. Criteria: ICSL Variant Classification Criteria 13 December 2019. Collection method: clinical testing. Allele origin: germline.
Comment: This variant was observed in the ICSL laboratory as part of a predisposition screen in an ostensibly healthy population. It had not been previously curated by ICSL or reported in the Human Gene Mutation Database (HGMD: prior to June 1st, 2018), and was therefore a candidate for classification through an automated scoring system. Utilizing variant allele frequency, disease prevalence and penetrance estimates, and inheritance mode, an automated score was calculated to assess if this variant is too frequent to cause the disease. Based on the score and internal cut-off values, a variant classified as likely benign is not then subjected to further curation. The score for this variant resulted in a classification of likely benign for this disease.

Illumina Laboratory Services, Illumina
Classification: Likely benign for Retinitis pigmentosa. Last evaluated: 2018-01-13. Review status: criteria provided, single submitter. Criteria: ICSL Variant Classification Criteria 13 December 2019. Collection method: clinical testing. Allele origin: germline.
Comment: the same text as in the submission from Illumina Laboratory Services, Illumina above.

GeneDx
Classification: Benign. Last evaluated: 2015-03-03. Review status: criteria provided, single submitter. Criteria: GeneDx Variant Classification Process June 2021. Collection method: clinical testing. Allele origin: germline. Affected: yes.

Eurofins Ntd Llc (ga)
Classification: Benign. Last evaluated: 2014-03-19. Review status: criteria provided, single submitter. Criteria: EGL Classification Definitions 2015. Collection method: clinical testing. Allele origin: germline. Observed: 2 variant alleles, 2 heterozygotes.

Breakthrough Genomics
Classification: Likely benign. Review status: criteria provided, single submitter. Criteria: ACMG Guidelines, 2015. Collection method: not provided. Allele origin: germline. Inheritance: Autosomal recessive inheritance. Affected: yes.

PreventionGenetics, part of Exact Sciences
Classification: Likely benign. Review status: criteria provided, single submitter. Criteria: ACMG Guidelines, 2015. Collection method: clinical testing. Allele origin: germline.

Natera, Inc.
Classification: Benign for Leber congenital amaurosis. Last evaluated: 2020-09-16. Review status: no assertion criteria provided. Collection method: clinical testing. Allele origin: germline. Not counted in ClinVar's aggregate classification.

Retina International
No classification provided. Review status: no classification provided. Collection method: not provided. Allele origin: unknown. Not counted in ClinVar's aggregate classification.

Literature cited by the submitters: PubMed 12843338 (cited by Eurofins Ntd Llc (ga)); PubMed 15459956 (cited by Eurofins Ntd Llc (ga)).

NM_201253.3(CRB1):c.2306G>A (p.Arg769His)

Gene: CRB1 (crumbs cell polarity complex component 1; plus strand). Cytogenetic location: 1q31.3.
Variant type: single nucleotide variant.
Coding change: c.2306G>A on transcript NM_201253.3 (MANE Select); coding-DNA position 2306, G replaced by A.
Protein change: p.Arg769His; replaces arginine 769 with histidine.
Molecular consequence: missense variant. On other transcripts: non-coding transcript variant (2), intron variant (1).
Genome position (GRCh38, 1-based): chr1:197,427,631, G>A. VCF-style: chr1-197427631-G-A. GRCh37 (hg19) VCF-style: chr1-197396761-G-A.
Other names: c.1970G>A, p.Arg657His (NM_001193640.2); c.2099G>A, p.Arg700His (NM_001257965.2); c.2128+5675G>A (NM_001257966.2); short protein forms R769H, R700H, R657H.
Identifiers: ClinVar variation 99878 (VCV000099878.28), dbSNP rs62636287, ClinGen allele CA179934.